The following is an entry in ClinVar:

NM_177438.3(DICER1):c.5104C>T (p.Gln1702Ter)

Gene: DICER1 (dicer 1, ribonuclease III; minus strand). Cytogenetic location: 14q32.13.
Variant type: single nucleotide variant.
Coding change: c.5104C>T on transcript NM_177438.3 (MANE Select); coding-DNA position 5104, C replaced by T.
Protein change: p.Gln1702Ter; replaces glutamine 1702 with a stop codon.
Molecular consequence: nonsense.
Genome position (GRCh38, 1-based): chr14:95,094,148, G>A on the plus strand (C>T on the coding strand, the complement: DICER1 is on the minus strand). VCF-style: chr14-95094148-G-A. GRCh37 (hg19) VCF-style: chr14-95560485-G-A.
Other names: NM_177438.2(DICER1):c.5104C>T; p.Gln1702Ter; c.5104C>T, p.Gln1702Ter (NM_001195573.1, NM_001271282.3, NM_001291628.2 and 1 more transcripts); short protein forms Q1702*.
Identifiers: ClinVar variation 254344 (VCV000254344.18), dbSNP rs886037723, ClinGen allele CA10586407.
Genomic context (GRCh38, chr14:95,094,148, plus strand): 5'-CATAAAGGTGCTTGGTTATGAGGTAGTCCAAAATCGCATCTCCCAGGAATTCTAAGCGCT[G>A]GTAACAATCTGAGGGGATCCGAAGTGGAACCGTAAGCTTGTGCAGAAGCATTTACACTAT-3'

ClinVar aggregate classification (germline): Pathogenic. Review status: reviewed by expert panel (3 of 4 stars). 6 submissions from 6 submitters: Pathogenic (1). 5 of the submissions do not count toward it. Last evaluated 2022-05-18.

Conditions:
DICER1-related tumor predisposition. Also called: DICER1-related pleuropulmonary blastoma cancer predisposition syndrome; DICER1 syndrome. Identifiers: Orphanet 284343, MedGen C3839822, MONDO:0100216.
Hereditary cancer-predisposing syndrome. Also called: Tumor predisposition; Hereditary neoplastic syndrome; Neoplastic Syndromes, Hereditary; Hereditary Cancer Syndrome. Identifiers: Orphanet 140162, MedGen C0027672, MeSH D009386, MONDO:0015356.

Submissions (6):

ClinGen DICER1 and miRNA-Processing Gene Variant Curation Expert Panel, ClinGen
Classification: Pathogenic for DICER1-related tumor predisposition. Last evaluated: 2022-05-18. Review status: reviewed by expert panel. Criteria: ClinGen DICER1 ACMG Specifications DICER1 v1. Collection method: curation. Allele origin: germline. Inheritance: Autosomal dominant inheritance.
Comment: The NM_177438.2:c.5104C>T (p.Gln1702Ter) variant in DICER1 is a nonsense variant predicted to cause a premature stop codon in biologically-relevant-exon 24/27 leading to nonsense mediated decay in a gene in which loss-of-function is an established disease mechanism (PVS1). This variant received a total of 1 phenotype point across 1 family meeting DICER1 VCEP phenotype specificity scoring criteria of 1-1.5 points (PS4_Supporting; PMID: 22157934, 22180160, 26925222). This variant is absent from gnomAD non-cancer dataset v2.1.1 and v3.1.1 (PM2_Supporting). In summary, this variant meets the criteria to be classified as Pathogenic for DICER1 syndrome based on the ACMG/AMP criteria applied, as specified by the ClinGen DICER1 VCEP: PVS1, PM2_supporting, PS4_supporting. (Bayesian Points: 10; VCEP specifications version 1; 02/11/2022)

Myriad Genetics, Inc.
Classification: Pathogenic for DICER1-related tumor predisposition. Last evaluated: 2026-09-29. Review status: criteria provided, single submitter. Criteria: Myriad Autosomal Dominant, Autosomal Recessive and X-Linked Classification Criteria (2023). Collection method: clinical testing. Allele origin: unknown. Not counted in ClinVar's aggregate classification.
Comment: This variant is considered pathogenic. This variant creates a termination codon and is predicted to result in premature protein truncation.

Ambry Genetics
Classification: Pathogenic for Hereditary cancer-predisposing syndrome. Last evaluated: 2026-03-19. Review status: criteria provided, single submitter. Criteria: Ambry Variant Classification Scheme 2023. Collection method: clinical testing. Allele origin: germline. Not counted in ClinVar's aggregate classification.
Comment: The p.Q1702* pathogenic mutation (also known as c.5104C>T), located in coding exon 23 of the DICER1 gene, results from a C to T substitution at nucleotide position 5104. This changes the amino acid from a glutamine to a stop codon within coding exon 23. This variant was reported in individual(s) with features consistent with DICER1-relater tumor disposition (Dehner LP et al. Mod Pathol, 2012 Apr;25:602-14; Ambry internal data). This variant is considered to be rare based on population cohorts in the Genome Aggregation Database (gnomAD). This variant is expected to result in loss of function by premature protein truncation or nonsense-mediated mRNA decay. As such, this variant is interpreted as a disease-causing mutation.

Labcorp Genetics (formerly Invitae), Labcorp
Classification: Pathogenic for DICER1-related tumor predisposition. Last evaluated: 2022-10-04. Review status: criteria provided, single submitter. Criteria: Invitae Variant Classification Sherloc (09022015). Collection method: clinical testing. Allele origin: germline. Not counted in ClinVar's aggregate classification.
Comment: For these reasons, this variant has been classified as Pathogenic. ClinVar contains an entry for this variant (Variation ID: 254344). This premature translational stop signal has been observed in individual(s) with embryonal rhabdomyosarcoma of the uterine cervix and pleuropulmonary blastoma (PMID: 22157934). This variant is not present in population databases (gnomAD no frequency). This sequence change creates a premature translational stop signal (p.Gln1702*) in the DICER1 gene. It is expected to result in an absent or disrupted protein product. Loss-of-function variants in DICER1 are known to be pathogenic (PMID: 19556464, 21266384).

Foulkes Cancer Genetics LDI, Lady Davis Institute for Medical Research
Classification: Pathogenic for Pleuropulmonary blastoma. Last evaluated: 2019-07-01. Review status: criteria provided, single submitter. Criteria: ACMG Guidelines, 2015. Collection method: curation. Allele origin: germline, unknown. Affected: yes. Observed: 2 variant alleles. Not counted in ClinVar's aggregate classification.
Comment: ACMG criteria met: PVS1, PM2, PP4

International Pleuropulmonary Blastoma Registry, Children's Hospitals and Clinics of Minnesota
Classification: Pathogenic for Pleuropulmonary blastoma. Last evaluated: 2014-11-10. Review status: criteria provided, single submitter. Criteria: Hill et al. (Science. 2009). Collection method: clinical testing. Allele origin: germline. Affected: yes. Study: PPB-DICER1 Genetic study. Not counted in ClinVar's aggregate classification.

Literature cited by the submitters: PubMed 22157934 (cited by Ambry Genetics and Labcorp Genetics (formerly Invitae), Labcorp); PubMed 19556464 (cited by Labcorp Genetics (formerly Invitae), Labcorp); PubMed 21266384 (cited by Labcorp Genetics (formerly Invitae), Labcorp); PubMed 22180160 (cited by Foulkes Cancer Genetics LDI, Lady Davis Institute for Medical Research); PubMed 29881993 (cited by Foulkes Cancer Genetics LDI, Lady Davis Institute for Medical Research); PubMed 26925222 (cited by International Pleuropulmonary Blastoma Registry, Children's Hospitals and Clinics of Minnesota).